The following is an entry in ClinVar:

ClinVar aggregate classification (germline): Uncertain significance (1 of 4 stars; one submission).

Conditions:
Common variable immunodeficiency (CVID). Also called: Common variable hypogamma-globulinemia; Common variable agammaglobulinemia. Identifiers: Orphanet 1572, MedGen C0009447, MONDO:0015517.

Submission:

Labcorp Genetics (formerly Invitae), Labcorp
Classification: Uncertain significance for Common variable immunodeficiency. Last evaluated: 2024-08-18. Review status: criteria provided, single submitter. Criteria: Invitae Variant Classification Sherloc (09022015). Collection method: clinical testing. Allele origin: germline.
Comment: This sequence change replaces alanine, which is neutral and non-polar, with threonine, which is neutral and polar, at codon 19 of the TNFSF12 protein (p.Ala19Thr). This variant is not present in population databases (gnomAD no frequency). This variant has not been reported in the literature in individuals affected with TNFSF12-related conditions. ClinVar contains an entry for this variant (Variation ID: 1524145). Experimental studies and prediction algorithms are not available or were not evaluated, and the functional significance of this variant is currently unknown. In summary, the available evidence is currently insufficient to determine the role of this variant in disease. Therefore, it has been classified as a Variant of Uncertain Significance.

NM_003809.3(TNFSF12):c.55G>A (p.Ala19Thr)

Genes: TNFSF12 (TNF superfamily member 12; plus strand), TNFSF12-TNFSF13 (TNFSF12-TNFSF13 readthrough; plus strand), LOC130060153 (ATAC-STARR-seq lymphoblastoid silent region 8127; plus strand). Cytogenetic location: 17p13.1.
Variant type: single nucleotide variant.
Coding change: c.55G>A on transcript NM_003809.3 (MANE Select); coding-DNA position 55, G replaced by A.
Protein change: p.Ala19Thr; replaces alanine 19 with threonine.
Molecular consequence: missense variant. On other transcripts: non-coding transcript variant (1).
Genome position (GRCh38, 1-based): chr17:7,549,208, G>A. VCF-style: chr17-7549208-G-A. GRCh37 (hg19) VCF-style: chr17-7452525-G-A.
Other names: c.55G>A, p.Ala19Thr (NM_172089.4); short protein forms A19T.
Identifiers: ClinVar variation 1524145 (VCV001524145.8), dbSNP rs2070969376, ClinGen allele CA397853350.
Genomic context (GRCh38, chr17:7,549,208, plus strand): 5'-GCCCCCATGGCCGCCCGTCGGAGCCAGAGGCGGAGGGGGCGCCGGGGGGAGCCGGGCACC[G>A]CCCTGCTGGTCCCGCTCGCGCTGGGCCTGGGCCTGGCGCTGGCCTGCCTCGGCCTCCTGC-3'
Protein context (NP_003800.1, residues 9-29): RRGRRGEPGT[Ala19Thr]LLVPLALGLG